The following is an entry in ClinVar:

NM_014314.4(RIGI):c.954-36C>G

Gene: RIGI (RNA sensor RIG-I; minus strand). Cytogenetic location: 9p21.1.
Variant type: single nucleotide variant.
Coding change: c.954-36C>G on transcript NM_014314.4 (MANE Select); 36 bases into the intron before coding-DNA position 954, C replaced by G.
Molecular consequence: intron variant.
Genome position (GRCh38, 1-based): chr9:32,488,239, G>C on the plus strand (C>G on the coding strand, the complement: RIGI is on the minus strand). VCF-style: chr9-32488239-G-C. GRCh37 (hg19) VCF-style: chr9-32488237-G-C.
Other names: c.345-36C>G (NM_001385912.1); c.939-36C>G (NM_001385913.1); c.954-42C>G (NM_001385907.1); c.954-36C>G (NM_001385909.1); c.510-36C>G (NM_001385914.1); c.513-36C>G (NM_001385910.1).
Identifiers: ClinVar variation 2637876 (VCV002637876.2), dbSNP rs10813825, ClinGen allele CA5019946.

ClinVar aggregate classification (germline): Benign (1 of 4 stars; one submission).

gnomAD v4.1: 645,962 of 1,597,502 alleles (40%); highest among the groups gnomAD compares: South Asian, 47%; 134,644 homozygotes.

Submission:

Unidad de Genómica Garrahan, Hospital de Pediatría Garrahan
Classification: Benign. Last evaluated: 2023-11-14. Review status: criteria provided, single submitter. Criteria: ACMG Guidelines, 2015. Collection method: clinical testing. Allele origin: germline. Affected: no. Observed: 54 variant alleles.
Comment: This variant is classified as Benign based on local population frequency. This variant was detected in 56% of patients studied by a panel of primary immunodeficiencies. Number of patients: 54. Only high quality variants are reported.